The following is an entry in ClinVar:

NM_006361.6(HOXB13):c.640C>A (p.Arg214Ser)

Gene: HOXB13 (homeobox B13; minus strand). Cytogenetic location: 17q21.32.
Variant type: single nucleotide variant.
Coding change: c.640C>A on transcript NM_006361.6 (MANE Select); coding-DNA position 640, C replaced by A.
Protein change: p.Arg214Ser; replaces arginine 214 with serine.
Molecular consequence: missense variant.
Genome position (GRCh38, 1-based): chr17:48,727,005, G>T on the plus strand (C>A on the coding strand, the complement: HOXB13 is on the minus strand). VCF-style: chr17-48727005-G-T. GRCh37 (hg19) VCF-style: chr17-46804367-G-T.
Other names: short protein forms R214S.
Identifiers: ClinVar variation 691129 (VCV000691129.3), dbSNP rs1187061907, ClinGen allele CA400106929.

ClinVar aggregate classification (germline): Uncertain significance. Review status: criteria provided, single submitter (1 of 4 stars). 2 submissions from 2 submitters: Uncertain significance (1). 1 of the submissions does not count toward it. Last evaluated 2024-01-02.

Conditions:
Prostate cancer, hereditary, 1 (HPC1). Identifiers: Orphanet 1331, MedGen C4722327, MONDO:0011098, OMIM 601518.

Submissions (2):

GeneDx
Classification: Uncertain significance. Last evaluated: 2024-01-02. Review status: criteria provided, single submitter. Criteria: GeneDx Variant Classification Process June 2021. Collection method: clinical testing. Allele origin: germline. Affected: yes.
Comment: Not observed at significant frequency in large population cohorts (gnomAD); In silico analysis supports that this missense variant has a deleterious effect on protein structure/function; Has not been previously published as pathogenic or benign to our knowledge; This variant is associated with the following publications: (PMID: 19389631)

Laboratory of Virology, Microbiology,  Quality and Medical Biotechnologies, Faculty of Sciences and Techniques - Mohammedia, Hassan II University of Casablanca
Classification: Uncertain significance for Prostate cancer, hereditary, 1. Review status: no assertion criteria provided. Collection method: clinical testing. Allele origin: somatic. Affected: yes. Not counted in ClinVar's aggregate classification.